The following is an entry in ClinVar:

ClinVar aggregate classification (germline): Likely benign (1 of 4 stars; one submission).

gnomAD v4.1: 1 of 1,614,132 alleles (0.000062%); highest among the groups gnomAD compares: Non-Finnish European, 0.000085%; no homozygotes.

Submission:

CeGaT Center for Human Genetics Tuebingen
Classification: Likely benign. Last evaluated: 2023-12-01. Review status: criteria provided, single submitter. Criteria: CeGaT Center For Human Genetics Tuebingen Variant Classification Criteria Version 2. Collection method: clinical testing. Allele origin: germline. Affected: yes. Observed: 1 variant allele.
Comment: PTCD3: PM2:Supporting, BP4, BP7

NM_017952.6(PTCD3):c.1398T>C (p.Cys466=)

Gene: PTCD3 (pentatricopeptide repeat domain 3; plus strand). Cytogenetic location: 2p11.2.
Variant type: single nucleotide variant.
Coding change: c.1398T>C on transcript NM_017952.6 (MANE Select); coding-DNA position 1398, T replaced by C.
Protein change: p.Cys466=; no amino-acid change (cysteine 466 retained).
Molecular consequence: synonymous variant.
Genome position (GRCh38, 1-based): chr2:86,133,202, T>C. VCF-style: chr2-86133202-T-C. GRCh37 (hg19) VCF-style: chr2-86360325-T-C.
Identifiers: ClinVar variation 2672822 (VCV002672822.23), dbSNP rs2466576510, ClinGen allele CA427151375.